The following is an entry in ClinVar:

NM_000719.7(CACNA1C):c.1176G>T (p.Gly392=)

Gene: CACNA1C (calcium voltage-gated channel subunit alpha1 C; plus strand). Cytogenetic location: 12p13.33.
Variant type: single nucleotide variant.
Coding change: c.1176G>T on transcript NM_000719.7 (MANE Select); coding-DNA position 1176, G replaced by T.
Protein change: p.Gly392=; no amino-acid change (glycine 392 retained).
Molecular consequence: synonymous variant. On other transcripts: intron variant (4).
Genome position (GRCh38, 1-based): chr12:2,504,904, G>T. VCF-style: chr12-2504904-G-T. GRCh37 (hg19) VCF-style: chr12-2614070-G-T.
Other names: c.1176G>T, p.Gly392= (NM_001129827.2, NM_001129829.2, NM_001129830.3 and 14 more transcripts); c.1167G>T, p.Gly389= (NM_001129844.2); c.1217+365G>T (NM_001167624.3, NM_001167623.2, NM_001167625.2 and 1 more transcripts); c.1176G>T (NM_199460.3).
Identifiers: ClinVar variation 166767 (VCV000166767.60), dbSNP rs1051360, ClinGen allele CA233574.

ClinVar aggregate classification (germline): Benign/Likely benign. Review status: criteria provided, multiple submitters, no conflicts (2 of 4 stars). 13 submissions from 13 submitters: Benign (6); Likely benign (4). 3 of the submissions do not count toward it. Last evaluated 2026-08-01.

Conditions:
CACNA1C-related disorder. Also called: CACNA1C-related disorders; CACNA1C-related condition. Identifiers: MedGen CN381092, MONDO:0700321.
Cardiovascular phenotype. Identifiers: MedGen CN230736.
Long QT syndrome (LQTS). Identifiers: MedGen C0023976, MeSH D008133, MONDO:0002442. Disease mechanism: loss of function. Inheritance: Various modes of inheritance.

Allele frequency attached by ClinVar (database versions not stated): 1000 Genomes Project 0.00040; 1000 Genomes Project 30x 0.00062; TOPMed 0.00178; gnomAD exomes 0.00197 and 0.00294; gnomAD 0.00203 and 0.00209; ExAC 0.00222; ESP Exome Variant Server 0.00255.
gnomAD v4.1: 4,500 of 1,606,526 alleles (0.28%); highest among the groups gnomAD compares: Non-Finnish European, 0.35%; 10 homozygotes.

Submissions (13):

CeGaT Center for Human Genetics Tuebingen
Classification: Likely benign. Last evaluated: 2026-08-01. Review status: criteria provided, single submitter. Criteria: CeGaT Center For Human Genetics Tuebingen Variant Classification Criteria Version 2. Collection method: clinical testing. Allele origin: germline. Affected: yes. Observed: 12 variant alleles.
Comment: CACNA1C: BP4, BS1

Labcorp Genetics (formerly Invitae), Labcorp
Classification: Benign for Long QT syndrome. Last evaluated: 2026-02-03. Review status: criteria provided, single submitter. Criteria: Invitae Variant Classification Sherloc (09022015). Collection method: clinical testing. Allele origin: germline.

Molecular Diagnostic Laboratory for Inherited Cardiovascular Disease, Montreal Heart Institute
Classification: Benign. Last evaluated: 2025-04-09. Review status: criteria provided, single submitter. Criteria: ACMG Guidelines, 2015. Collection method: clinical testing. Allele origin: germline. Affected: no.

Blueprint Genetics
Classification: Likely benign. Last evaluated: 2024-11-23. Review status: criteria provided, single submitter. Criteria: ACMG Guidelines, 2015. Collection method: clinical testing. Allele origin: germline.

ARUP Laboratories, Molecular Genetics and Genomics, ARUP Laboratories
Classification: Benign. Last evaluated: 2024-05-17. Review status: criteria provided, single submitter. Criteria: ARUP Molecular Germline Variant Investigation Process 2024. Collection method: clinical testing. Allele origin: germline.

Women's Health and Genetics/Laboratory Corporation of America, LabCorp
Classification: Benign. Last evaluated: 2019-05-13. Review status: criteria provided, single submitter. Criteria: LabCorp Variant Classification Summary - May 2015. Collection method: clinical testing. Allele origin: germline.
Comment: Variant summary: CACNA1C c.1176G>T alters a conserved nucleotide resulting in a synonymous change. 5/5 computational tools predict no significant impact on normal splicing. However, these predictions have yet to be confirmed by functional studies. The variant allele was found at a frequency of 0.002 in 248890 control chromosomes in the gnomAD database, including 1 homozygote. The observed variant frequency is approximately 196 fold of the estimated maximal expected allele frequency for a pathogenic variant in CACNA1C causing Arrhythmia phenotype (1e-05), strongly suggesting that the variant is benign. The variant, c.1176G>T, has been reported in the literature in individuals affected with long-QT syndrome (Ghouse_2015, Wemhoner_2015). These reports do not provide unequivocal conclusions about association of the variant with Arrhythmia. To our knowledge, no experimental evidence demonstrating an impact on protein function has been reported. Four clinical diagnostic laboratories have submitted clinical-significance assessments for this variant to ClinVar after 2014 without evidence for independent evaluation (benign (n=2), likely benign (n=2)). Based on the evidence outlined above, the variant was classified as benign.

Eurofins Ntd Llc (ga)
Classification: Benign. Last evaluated: 2018-01-02. Review status: criteria provided, single submitter. Criteria: EGL Classification Definitions 2015. Collection method: clinical testing. Allele origin: germline. Observed: 6 variant alleles, 6 heterozygotes.

Ambry Genetics
Classification: Likely benign for Cardiovascular phenotype. Last evaluated: 2016-01-22. Review status: criteria provided, single submitter. Criteria: Ambry Variant Classification Scheme 2023. Collection method: clinical testing. Allele origin: germline.

GeneDx
Classification: Benign. Last evaluated: 2015-03-03. Review status: criteria provided, single submitter. Criteria: GeneDx Variant Classification Process June 2021. Collection method: clinical testing. Allele origin: germline. Affected: yes.

Breakthrough Genomics
Classification: Likely benign. Review status: criteria provided, single submitter. Criteria: ACMG Guidelines, 2015. Collection method: not provided. Allele origin: germline. Inheritance: Autosomal dominant inheritance. Affected: yes.

PreventionGenetics, part of Exact Sciences
Classification: Likely benign for CACNA1C-related condition. Last evaluated: 2019-05-01. Review status: no assertion criteria provided. Collection method: clinical testing. Allele origin: germline. Not counted in ClinVar's aggregate classification.
Comment: This variant is classified as likely benign based on ACMG/AMP sequence variant interpretation guidelines (Richards et al. 2015 PMID: 25741868, with internal and published modifications).

Clinical Genetics, Academic Medical Center
Classification: Benign. Review status: no assertion criteria provided. Collection method: clinical testing. Allele origin: germline. Affected: yes. Study: VKGL Data-share Consensus. Not counted in ClinVar's aggregate classification.

Joint Genome Diagnostic Labs from Nijmegen and Maastricht, Radboudumc and MUMC+
Classification: Benign. Review status: no assertion criteria provided. Collection method: clinical testing. Allele origin: germline. Affected: yes. Study: VKGL Data-share Consensus. Not counted in ClinVar's aggregate classification.

Literature cited by the submitters: PubMed 25633834 (cited by Women's Health and Genetics/Laboratory Corporation of America, LabCorp); PubMed 26159999 (cited by Women's Health and Genetics/Laboratory Corporation of America, LabCorp).